The following is an entry in ClinVar:

NM_000038.6(APC):c.2649T>C (p.Thr883=)

Gene: APC (APC regulator of Wnt signaling pathway; plus strand). Cytogenetic location: 5q22.2.
Variant type: single nucleotide variant.
Coding change: c.2649T>C on transcript NM_000038.6 (MANE Select); coding-DNA position 2649, T replaced by C.
Protein change: p.Thr883=; no amino-acid change (threonine 883 retained).
Molecular consequence: synonymous variant. On other transcripts: non-coding transcript variant (2).
Genome position (GRCh38, 1-based): chr5:112,838,243, T>C. VCF-style: chr5-112838243-T-C. GRCh37 (hg19) VCF-style: chr5-112173940-T-C.
Other names: c.2649T>C, p.Thr883= (NM_001127510.3, NM_001354895.2, NM_001407450.1); c.2595T>C, p.Thr865= (NM_001127511.3); c.2703T>C, p.Thr901= (NM_001354896.2, NM_001407447.1, NM_001407448.1 and 1 more transcripts); c.2679T>C, p.Thr893= (NM_001354897.2); c.2574T>C, p.Thr858= (NM_001354898.2); c.2565T>C, p.Thr855= (NM_001354899.2); c.2526T>C, p.Thr842= (NM_001354900.2); c.2472T>C, p.Thr824= (NM_001354901.2, NM_001407453.1); and 11 more.
Identifiers: ClinVar variation 3148760 (VCV003148760.1), dbSNP rs2149874479, ClinGen allele CA445962982.

ClinVar aggregate classification (germline): Benign (1 of 4 stars; one submission).

Conditions:
Familial adenomatous polyposis 1 (FAP1). Also called: POLYPOSIS, ADENOMATOUS INTESTINAL; FAMILIAL ADENOMATOUS POLYPOSIS 1, ATTENUATED. Identifiers: MedGen C2713442, MONDO:0021056, OMIM 175100. Disease mechanism: loss of function.

Submission:

Myriad Genetics, Inc.
Classification: Benign for Familial adenomatous polyposis 1. Last evaluated: 2024-03-15. Review status: criteria provided, single submitter. Criteria: Myriad Autosomal Dominant, Autosomal Recessive and X-Linked Classification Criteria (2023). Collection method: clinical testing. Allele origin: unknown.
Comment: This variant is considered benign. This variant is a silent/synonymous amino acid change and it is not expected to impact splicing.